The following is an entry in ClinVar:

ClinVar aggregate classification (germline): Uncertain significance (1 of 4 stars; one submission).

Conditions:
Ulnar-mammary syndrome (UMS). Also called: Ulnar-mammary syndrome of Pallister; SCHINZEL SYNDROME; PALLISTER ULNAR-MAMMARY SYNDROME. Identifiers: Orphanet 3138, MedGen C1866994, MONDO:0008411, OMIM 181450.

Submission:

Labcorp Genetics (formerly Invitae), Labcorp
Classification: Uncertain significance for Ulnar-mammary syndrome. Last evaluated: 2022-05-25. Review status: criteria provided, single submitter. Criteria: Invitae Variant Classification Sherloc (09022015). Collection method: clinical testing. Allele origin: germline.
Comment: This variant is not present in population databases (gnomAD no frequency). In summary, the available evidence is currently insufficient to determine the role of this variant in disease. Therefore, it has been classified as a Variant of Uncertain Significance. Algorithms developed to predict the effect of missense changes on protein structure and function (SIFT, PolyPhen-2, Align-GVGD) all suggest that this variant is likely to be tolerated. This variant has not been reported in the literature in individuals affected with TBX3-related conditions. This sequence change replaces proline, which is neutral and non-polar, with leucine, which is neutral and non-polar, at codon 383 of the TBX3 protein (p.Pro383Leu).

NM_005996.4(TBX3):c.1148C>T (p.Pro383Leu)

Gene: TBX3 (T-box transcription factor 3; minus strand). Cytogenetic location: 12q24.21.
Variant type: single nucleotide variant.
Coding change: c.1148C>T on transcript NM_005996.4 (MANE Select); coding-DNA position 1148, C replaced by T.
Protein change: p.Pro383Leu; replaces proline 383 with leucine.
Molecular consequence: missense variant.
Genome position (GRCh38, 1-based): chr12:114,674,727, G>A on the plus strand (C>T on the coding strand, the complement: TBX3 is on the minus strand). VCF-style: chr12-114674727-G-A. GRCh37 (hg19) VCF-style: chr12-115112532-G-A.
Other names: c.1208C>T, p.Pro403Leu (NM_016569.4); short protein forms P383L, P403L.
Identifiers: ClinVar variation 1995338 (VCV001995338.4), dbSNP rs746036481, ClinGen allele CA386869512.
Genomic context (GRCh38, chr12:114,674,727, plus strand): 5'-CGGGGCCGCTCAGCAGCGAAAAGGTGAGCCTTGACCGCGGGGCTGCCCTTGTCACGGCAG[G>A]GCTCCTCCGACGTGGTGGTGGAGATCTTGGCCGCGTCGCAGGCCTCGGGGCCATGCTCCT-3'
Protein context (NP_005987.3, residues 373-393): AKISTTTSEE[Pro383Leu]CRDKGSPAVK